The following is an entry in ClinVar:

NM_015338.6(ASXL1):c.1475C>A (p.Ala492Asp)

Gene: ASXL1 (ASXL transcriptional regulator 1; plus strand). Cytogenetic location: 20q11.21.
Variant type: single nucleotide variant.
Coding change: c.1475C>A on transcript NM_015338.6 (MANE Select); coding-DNA position 1475, C replaced by A.
Protein change: p.Ala492Asp; replaces alanine 492 with aspartic acid.
Molecular consequence: missense variant.
Genome position (GRCh38, 1-based): chr20:32,433,673, C>A. VCF-style: chr20-32433673-C-A. GRCh37 (hg19) VCF-style: chr20-31021476-C-A.
Other names: c.1292C>A, p.Ala431Asp (NM_001363734.1); short protein forms A431D, A492D.
Identifiers: ClinVar variation 3439787 (VCV003439787.2).

ClinVar aggregate classification (germline): Uncertain significance. Review status: criteria provided, multiple submitters, no conflicts (2 of 4 stars). 2 submissions from 2 submitters: Uncertain significance (2). Last evaluated 2025-06-15.

Conditions:
Inborn genetic diseases. Identifiers: MedGen C0950123, MeSH D030342.

gnomAD v4.1: 1 of 1,611,374 alleles (0.000062%); no homozygotes.

Submissions (2):

Labcorp Genetics (formerly Invitae), Labcorp
Classification: Uncertain significance. Last evaluated: 2025-06-15. Review status: criteria provided, single submitter. Criteria: Invitae Variant Classification Sherloc (09022015). Collection method: clinical testing. Allele origin: germline.
Comment: This sequence change replaces alanine, which is neutral and non-polar, with aspartic acid, which is acidic and polar, at codon 492 of the ASXL1 protein (p.Ala492Asp). This variant is present in population databases (no rsID available, gnomAD no frequency). This variant has not been reported in the literature in individuals affected with ASXL1-related conditions. ClinVar contains an entry for this variant (Variation ID: 3439787). An algorithm developed to predict the effect of missense changes on protein structure and function (PolyPhen-2) suggests that this variant is likely to be tolerated. In summary, the available evidence is currently insufficient to determine the role of this variant in disease. Therefore, it has been classified as a Variant of Uncertain Significance.

Ambry Genetics
Classification: Uncertain significance for Inborn genetic diseases. Last evaluated: 2024-12-08. Review status: criteria provided, single submitter. Criteria: Ambry Variant Classification Scheme 2023. Collection method: clinical testing. Allele origin: germline.
Comment: The p.A492D variant (also known as c.1475C>A), located in coding exon 12 of the ASXL1 gene, results from a C to A substitution at nucleotide position 1475. The alanine at codon 492 is replaced by aspartic acid, an amino acid with dissimilar properties. This amino acid position is conserved. In addition, this alteration is predicted to be tolerated by in silico analysis. Based on the available evidence, the clinical significance of this variant remains unclear.